The following is an entry in ClinVar:

NM_000426.4(LAMA2):c.151C>T (p.Leu51Phe)

Gene: LAMA2 (laminin subunit alpha 2; plus strand). Cytogenetic location: 6q22.33.
Variant type: single nucleotide variant.
Coding change: c.151C>T on transcript NM_000426.4 (MANE Select); coding-DNA position 151, C replaced by T.
Protein change: p.Leu51Phe; replaces leucine 51 with phenylalanine.
Molecular consequence: missense variant.
Genome position (GRCh38, 1-based): chr6:129,049,956, C>T. VCF-style: chr6-129049956-C-T. GRCh37 (hg19) VCF-style: chr6-129371101-C-T.
Other names: c.151C>T, p.Leu51Phe (NM_001079823.2); short protein forms L51F.
Identifiers: ClinVar variation 579145 (VCV000579145.6), dbSNP rs764781327, ClinGen allele CA3992235.

ClinVar aggregate classification (germline): Uncertain significance. Review status: criteria provided, multiple submitters, no conflicts (2 of 4 stars). 2 submissions from 2 submitters: Uncertain significance (2). Last evaluated 2025-04-20.

Conditions:
LAMA2-related muscular dystrophy (LAMA2-RD). Also called: Laminin alpha 2-related dystrophy. Identifiers: MedGen C5679788, MONDO:0100228.

Allele frequency attached by ClinVar (database versions not stated): TOPMed 0.00002; gnomAD 0.00003 and 0.00004; gnomAD exomes 0.00006; ExAC 0.00010.
gnomAD v4.1: 84 of 1,613,892 alleles (0.0052%); highest among the groups gnomAD compares: Non-Finnish European, 0.0068%; no homozygotes.

Submissions (2):

Labcorp Genetics (formerly Invitae), Labcorp
Classification: Uncertain significance for LAMA2-related muscular dystrophy. Last evaluated: 2025-04-20. Review status: criteria provided, single submitter. Criteria: Invitae Variant Classification Sherloc (09022015). Collection method: clinical testing. Allele origin: germline.
Comment: This sequence change replaces leucine, which is neutral and non-polar, with phenylalanine, which is neutral and non-polar, at codon 51 of the LAMA2 protein (p.Leu51Phe). This variant is present in population databases (rs764781327, gnomAD 0.01%). This variant has not been reported in the literature in individuals affected with LAMA2-related conditions. ClinVar contains an entry for this variant (Variation ID: 579145). Invitae Evidence Modeling of protein sequence and biophysical properties (such as structural, functional, and spatial information, amino acid conservation, physicochemical variation, residue mobility, and thermodynamic stability) indicates that this missense variant is not expected to disrupt LAMA2 protein function with a negative predictive value of 95%. In summary, the available evidence is currently insufficient to determine the role of this variant in disease. Therefore, it has been classified as a Variant of Uncertain Significance.

Revvity Omics, Revvity
Classification: Uncertain significance. Last evaluated: 2020-06-23. Review status: criteria provided, single submitter. Criteria: ACMG Guidelines, 2015. Collection method: clinical testing. Allele origin: germline.